The following is an entry in ClinVar:

NM_001330260.2(SCN8A):c.3569C>T (p.Thr1190Ile)

Gene: SCN8A (sodium voltage-gated channel alpha subunit 8; plus strand). Cytogenetic location: 12q13.13.
Variant type: single nucleotide variant.
Coding change: c.3569C>T on transcript NM_001330260.2 (MANE Select); coding-DNA position 3569, C replaced by T.
Protein change: p.Thr1190Ile; replaces threonine 1190 with isoleucine.
Molecular consequence: missense variant.
Genome position (GRCh38, 1-based): chr12:51,770,607, C>T. VCF-style: chr12-51770607-C-T. GRCh37 (hg19) VCF-style: chr12-52164391-C-T.
Other names: c.3569C>T, p.Thr1190Ile (NM_001177984.3, NM_001369788.1, NM_014191.4); short protein forms T1190I.
Identifiers: ClinVar variation 2128150 (VCV002128150.4), dbSNP rs778239289, ClinGen allele CA6571636.

ClinVar aggregate classification (germline): Uncertain significance (1 of 4 stars; one submission).

Conditions:
Early-infantile DEE. Also called: Early infantile epileptic encephalopathy; Ohtahara syndrome; Early infantile epileptic encephalopathy with suppression bursts. Identifiers: Orphanet 1934, MedGen C0393706, MONDO:0800491.

gnomAD v4.1: 1 of 1,614,142 alleles (0.000062%); highest among the groups gnomAD compares: South Asian, 0.0011%; no homozygotes.

Submission:

Labcorp Genetics (formerly Invitae), Labcorp
Classification: Uncertain significance for Early-infantile DEE. Last evaluated: 2022-04-19. Review status: criteria provided, single submitter. Criteria: Invitae Variant Classification Sherloc (09022015). Collection method: clinical testing. Allele origin: germline.
Comment: In summary, the available evidence is currently insufficient to determine the role of this variant in disease. Therefore, it has been classified as a Variant of Uncertain Significance. Algorithms developed to predict the effect of missense changes on protein structure and function are either unavailable or do not agree on the potential impact of this missense change (SIFT: "Deleterious"; PolyPhen-2: "Probably Damaging"; Align-GVGD: "Class C0"). This variant has not been reported in the literature in individuals affected with SCN8A-related conditions. This variant is present in population databases (rs778239289, gnomAD 0.003%). This sequence change replaces threonine, which is neutral and polar, with isoleucine, which is neutral and non-polar, at codon 1190 of the SCN8A protein (p.Thr1190Ile).